The following is an entry in ClinVar:

NM_032043.3(BRIP1):c.2504A>G (p.His835Arg)

Gene: BRIP1 (BRCA1 interacting DNA helicase 1; minus strand). Cytogenetic location: 17q23.2.
Variant type: single nucleotide variant.
Coding change: c.2504A>G on transcript NM_032043.3 (MANE Select); coding-DNA position 2504, A replaced by G.
Protein change: p.His835Arg; replaces histidine 835 with arginine.
Molecular consequence: missense variant.
Genome position (GRCh38, 1-based): chr17:61,693,501, T>C on the plus strand (A>G on the coding strand, the complement: BRIP1 is on the minus strand). VCF-style: chr17-61693501-T-C. GRCh37 (hg19) VCF-style: chr17-59770862-T-C.
Other names: short protein forms H835R.
Identifiers: ClinVar variation 2951209 (VCV002951209.4), dbSNP rs2144187691, ClinGen allele CA400482485.

ClinVar aggregate classification (germline): Uncertain significance. Review status: criteria provided, multiple submitters, no conflicts (2 of 4 stars). 2 submissions from 2 submitters: Uncertain significance (2). Last evaluated 2026-02-22.

Conditions:
Hereditary cancer-predisposing syndrome. Also called: Tumor predisposition; Neoplastic Syndromes, Hereditary; Hereditary Cancer Syndrome; Hereditary neoplastic syndrome. Identifiers: Orphanet 140162, MedGen C0027672, MeSH D009386, MONDO:0015356.
Fanconi anemia complementation group J. Also called: BRIP1-Related Fanconi Anemia. Identifiers: Orphanet 84, MedGen C1836860, MONDO:0012187, OMIM 609054.
Familial cancer of breast. Also called: BREAST CANCER, FAMILIAL; Hereditary breast cancer; hereditary breast carcinoma. Identifiers: Orphanet 227535, MedGen C0346153, MONDO:0016419, OMIM 114480. Disease mechanism: loss of function.

Submissions (2):

Ambry Genetics
Classification: Uncertain significance for Hereditary cancer-predisposing syndrome. Last evaluated: 2026-02-22. Review status: criteria provided, single submitter. Criteria: Ambry Variant Classification Scheme 2023. Collection method: clinical testing. Allele origin: germline.
Comment: The p.H835R variant (also known as c.2504A>G), located in coding exon 17 of the BRIP1 gene, results from an A to G substitution at nucleotide position 2504. The histidine at codon 835 is replaced by arginine, an amino acid with highly similar properties. This amino acid position is conserved. In addition, this alteration is predicted to be deleterious by in silico analysis. Based on the available evidence, the clinical significance of this variant remains unclear.

Labcorp Genetics (formerly Invitae), Labcorp
Classification: Uncertain significance for Familial cancer of breast; Fanconi anemia complementation group J. Last evaluated: 2023-08-23. Review status: criteria provided, single submitter. Criteria: Invitae Variant Classification Sherloc (09022015). Collection method: clinical testing. Allele origin: germline.
Comment: Advanced modeling of protein sequence and biophysical properties (such as structural, functional, and spatial information, amino acid conservation, physicochemical variation, residue mobility, and thermodynamic stability) performed at Invitae indicates that this missense variant is expected to disrupt BRIP1 protein function. This variant has not been reported in the literature in individuals affected with BRIP1-related conditions. This variant is not present in population databases (gnomAD no frequency). This sequence change replaces histidine, which is basic and polar, with arginine, which is basic and polar, at codon 835 of the BRIP1 protein (p.His835Arg). Algorithms developed to predict the effect of sequence changes on RNA splicing suggest that this variant may create or strengthen a splice site. In summary, the available evidence is currently insufficient to determine the role of this variant in disease. Therefore, it has been classified as a Variant of Uncertain Significance.